The following is an entry in ClinVar:

NM_000059.4(BRCA2):c.6195A>C (p.Gln2065His)

Gene: BRCA2 (BRCA2 DNA repair associated; plus strand). Cytogenetic location: 13q13.1.
Variant type: single nucleotide variant.
Coding change: c.6195A>C on transcript NM_000059.4 (MANE Select); coding-DNA position 6195, A replaced by C.
Protein change: p.Gln2065His; replaces glutamine 2065 with histidine.
Molecular consequence: missense variant.
Genome position (GRCh38, 1-based): chr13:32,340,550, A>C. VCF-style: chr13-32340550-A-C. GRCh37 (hg19) VCF-style: chr13-32914687-A-C.
Other names: short protein forms Q2065H.
Identifiers: ClinVar variation 230969 (VCV000230969.13), dbSNP rs876658875, ClinGen allele CA10579683.

ClinVar aggregate classification (germline): Conflicting classifications of pathogenicity. Review status: criteria provided, conflicting classifications (1 of 4 stars). 4 submissions from 4 submitters: Uncertain significance (3); Likely benign (1). Last evaluated 2025-12-17.

Conditions:
Hereditary cancer-predisposing syndrome. Also called: Neoplastic Syndromes, Hereditary; Tumor predisposition; Hereditary Cancer Syndrome; Hereditary neoplastic syndrome. Identifiers: Orphanet 140162, MedGen C0027672, MeSH D009386, MONDO:0015356.
Hereditary breast ovarian cancer syndrome. Also called: BRCA1- and BRCA2-Associated Hereditary Breast and Ovarian Cancer; Hereditary breast and ovarian cancer syndrome; Hereditary breast and ovarian cancer; Hereditary breast and ovarian cancer syndrome (HBOC); Breast and ovarian cancer; Hereditary breast and/or ovarian cancer syndrome. Identifiers: Orphanet 145, MedGen C0677776, MeSH D061325, MONDO:0003582. Disease mechanism: loss of function.

gnomAD v4.1: 4 of 1,612,938 alleles (0.00025%); highest among the groups gnomAD compares: South Asian, 0.0044%; no homozygotes.

Submissions (4):

Labcorp Genetics (formerly Invitae), Labcorp
Classification: Uncertain significance for Hereditary breast ovarian cancer syndrome. Last evaluated: 2025-12-17. Review status: criteria provided, single submitter. Criteria: Invitae Variant Classification Sherloc (09022015). Collection method: clinical testing. Allele origin: germline.
Comment: This sequence change replaces glutamine, which is neutral and polar, with histidine, which is basic and polar, at codon 2065 of the BRCA2 protein (p.Gln2065His). This variant is not present in population databases (gnomAD no frequency). This variant has not been reported in the literature in individuals affected with BRCA2-related conditions. ClinVar contains an entry for this variant (Variation ID: 230969). Invitae Evidence Modeling of protein sequence and biophysical properties (such as structural, functional, and spatial information, amino acid conservation, physicochemical variation, residue mobility, and thermodynamic stability) indicates that this missense variant is not expected to disrupt BRCA2 protein function with a negative predictive value of 95%. In summary, the available evidence is currently insufficient to determine the role of this variant in disease. Therefore, it has been classified as a Variant of Uncertain Significance.

Ambry Genetics
Classification: Uncertain significance for Hereditary cancer-predisposing syndrome. Last evaluated: 2024-07-24. Review status: criteria provided, single submitter. Criteria: Ambry Variant Classification Scheme 2023. Collection method: clinical testing. Allele origin: germline.
Comment: The p.Q2065H variant (also known as c.6195A>C), located in coding exon 10 of the BRCA2 gene, results from an A to C substitution at nucleotide position 6195. The glutamine at codon 2065 is replaced by histidine, an amino acid with highly similar properties. This amino acid position is poorly conserved in available vertebrate species. In addition, this alteration is predicted to be tolerated by in silico analysis. Based on the available evidence, the clinical significance of this variant remains unclear.

Color Diagnostics, LLC DBA Color Health
Classification: Uncertain significance for Hereditary cancer-predisposing syndrome. Last evaluated: 2023-12-05. Review status: criteria provided, single submitter. Criteria: ACMG Guidelines, 2015. Collection method: clinical testing. Allele origin: germline.
Comment: This missense variant replaces glutamine with histidine at codon 2065 of the BRCA2 protein. Computational prediction suggests that this variant may not impact protein structure and function (internally defined REVEL score threshold <= 0.5, PMID: 27666373). To our knowledge, functional studies have not been reported for this variant. This variant has not been reported in individuals affected with BRCA2-related disorders in the literature. This variant has not been identified in the general population by the Genome Aggregation Database (gnomAD). The available evidence is insufficient to determine the role of this variant in disease conclusively. Therefore, this variant is classified as a Variant of Uncertain Significance.

University of Washington Department of Laboratory Medicine, University of Washington
Classification: Likely benign for Hereditary cancer-predisposing syndrome. Last evaluated: 2023-03-23. Review status: criteria provided, single submitter. Criteria: Dines et al. (Genet Med. 2020). Collection method: curation. Allele origin: germline.
Comment: Missense variant in a coldspot region where missense variants are very unlikely to be pathogenic (PMID:31911673).

BRCA2 exon 11 coldspot. Reclassification based on statistical prior probability.